The following is an entry in ClinVar:

ClinVar aggregate classification (germline): Uncertain significance (1 of 4 stars; one submission).

Conditions:
Combined immunodeficiency with skin granulomas. Identifiers: Orphanet 157949, MedGen C2673536, MONDO:0009306, OMIM 233650.
Severe combined immunodeficiency, autosomal recessive, T cell-negative, B cell-negative, NK cell-positive. Also called: SCID, T CELL-NEGATIVE, B CELL-NEGATIVE, NK CELL-POSITIVE; SCID, AR, T-cell negative, B-cell negative, NK cell-positive; Severe combined immunodeficiency due to complete RAG1/2 deficiency. Identifiers: Orphanet 331206, MedGen C1832322, MONDO:0011086, OMIM 601457.

Submission:

Labcorp Genetics (formerly Invitae), Labcorp
Classification: Uncertain significance for Combined immunodeficiency with skin granulomas; Severe combined immunodeficiency, autosomal recessive, T cell-negative, B cell-negative, NK cell-positive. Last evaluated: 2021-08-24. Review status: criteria provided, single submitter. Criteria: Invitae Variant Classification Sherloc (09022015). Collection method: clinical testing. Allele origin: germline.
Comment: This sequence change replaces asparagine with serine at codon 823 of the RAG1 protein (p.Asn823Ser). The asparagine residue is moderately conserved and there is a small physicochemical difference between asparagine and serine. This variant is not present in population databases (ExAC no frequency). This variant has not been reported in the literature in individuals affected with RAG1-related conditions. Algorithms developed to predict the effect of missense changes on protein structure and function output the following: SIFT: "Tolerated"; PolyPhen-2: "Benign"; Align-GVGD: "Class C0". The serine amino acid residue is found in multiple mammalian species, which suggests that this missense change does not adversely affect protein function. In summary, the available evidence is currently insufficient to determine the role of this variant in disease. Therefore, it has been classified as a Variant of Uncertain Significance.

NM_000448.3(RAG1):c.2468A>G (p.Asn823Ser)

Gene: RAG1 (recombination activating 1; plus strand). Cytogenetic location: 11p12.
Variant type: single nucleotide variant.
Coding change: c.2468A>G on transcript NM_000448.3 (MANE Select); coding-DNA position 2468, A replaced by G.
Protein change: p.Asn823Ser; replaces asparagine 823 with serine.
Molecular consequence: missense variant.
Genome position (GRCh38, 1-based): chr11:36,575,772, A>G. VCF-style: chr11-36575772-A-G. GRCh37 (hg19) VCF-style: chr11-36597322-A-G.
Other names: c.2468A>G, p.Asn823Ser (NM_001377277.1, NM_001377278.1, NM_001377279.1 and 1 more transcripts); short protein forms N823S.
Identifiers: ClinVar variation 839667 (VCV000839667.7), dbSNP rs147656090, ClinGen allele CA220601597.